The following is an entry in ClinVar:

ClinVar aggregate classification (germline): Uncertain significance. Review status: criteria provided, multiple submitters, no conflicts (2 of 4 stars). 2 submissions from 2 submitters: Uncertain significance (2). Last evaluated 2024-05-10.

Conditions:
Sulfite oxidase deficiency due to molybdenum cofactor deficiency type A. Also called: Molybdenum Cofactor Deficiency A; Molybdenum cofactor deficiency, complementation group A. Identifiers: Orphanet 308386, Orphanet 833, MedGen C1854988, MONDO:0009643, OMIM 252150.

Allele frequency attached by ClinVar (database versions not stated): gnomAD 0.00001; gnomAD exomes 0.00001 and 0.00003; ExAC 0.00002; TOPMed 0.00002.
gnomAD v4.1: 17 of 1,612,582 alleles (0.0011%); highest among the groups gnomAD compares: Admixed American, 0.015%; no homozygotes.

Submissions (2):

Labcorp Genetics (formerly Invitae), Labcorp
Classification: Uncertain significance for Sulfite oxidase deficiency due to molybdenum cofactor deficiency type A. Last evaluated: 2024-05-10. Review status: criteria provided, single submitter. Criteria: Invitae Variant Classification Sherloc (09022015). Collection method: clinical testing. Allele origin: germline.
Comment: This sequence change replaces arginine, which is basic and polar, with tryptophan, which is neutral and slightly polar, at codon 67 of the MOCS1 protein (p.Arg67Trp). This variant is present in population databases (rs754441164, gnomAD 0.02%). This missense change has been observed in individual(s) with molybdenum cofactor deficiency (PMID: 16021469; Invitae). In at least one individual the data is consistent with being in trans (on the opposite chromosome) from a pathogenic variant. ClinVar contains an entry for this variant (Variation ID: 1376468). An algorithm developed to predict the effect of missense changes on protein structure and function (PolyPhen-2) suggests that this variant is likely to be disruptive. In summary, the available evidence is currently insufficient to determine the role of this variant in disease. Therefore, it has been classified as a Variant of Uncertain Significance.

Blueprint Genetics
Classification: Uncertain significance. Last evaluated: 2022-12-09. Review status: criteria provided, single submitter. Criteria: ACMG Guidelines, 2015. Collection method: clinical testing. Allele origin: germline.

Literature cited by the submitters: PubMed 16021469 (cited by Labcorp Genetics (formerly Invitae), Labcorp).

NM_001358530.2(MOCS1):c.199C>T (p.Arg67Trp)

Gene: MOCS1 (molybdenum cofactor synthesis 1; minus strand). Cytogenetic location: 6p21.2.
Variant type: single nucleotide variant.
Coding change: c.199C>T on transcript NM_001358530.2 (MANE Select); coding-DNA position 199, C replaced by T.
Protein change: p.Arg67Trp; replaces arginine 67 with tryptophan.
Molecular consequence: missense variant. On other transcripts: 5 prime UTR variant (1), intron variant (2).
Genome position (GRCh38, 1-based): chr6:39,927,380, G>A on the plus strand (C>T on the coding strand, the complement: MOCS1 is on the minus strand). VCF-style: chr6-39927380-G-A. GRCh37 (hg19) VCF-style: chr6-39895119-G-A.
Other names: c.199C>T, p.Arg67Trp (NM_001075098.4, NM_001358529.2, NM_005943.6); c.-63C>T (NM_001358534.2); c.-11-1535C>T (NM_001358531.2, NM_001358533.2); short protein forms R67W.
Identifiers: ClinVar variation 1376468 (VCV001376468.5), dbSNP rs754441164, ClinGen allele CA3796409.